The following is an entry in ClinVar:

NM_000498.3(CYP11B2):c.145del (p.Trp49fs)

Genes: CYP11B2 (cytochrome P450 family 11 subfamily B member 2; minus strand), LOC106799834 (CYP11B2 recombination region; plus strand). Cytogenetic location: 8q24.3.
Variant type: Deletion.
Coding change: c.145del on transcript NM_000498.3 (MANE Select); coding-DNA position 145, one base deleted (T; older notation c.145delT).
Protein change: p.Trp49fs; shifts the reading frame from tryptophan 49.
Molecular consequence: frameshift variant.
Genome position (GRCh38, 1-based): chr8:142,917,696, A deleted on the plus strand (T on the coding strand, the reverse complement: CYP11B2 is on the minus strand). VCF-style (leftmost placement, unchanged base first): chr8-142917695-CA-C. GRCh37 (hg19) VCF-style: chr8-143999111-CA-C.
Other names: c.145delT (NM_000498.3); short protein forms W49fs.
Identifiers: ClinVar variation 4818601 (VCV004818601.1).

ClinVar aggregate classification (germline): Likely pathogenic (1 of 4 stars; one submission).

Conditions:
Corticosterone methyl oxidase type II deficiency.

Submission:

Natera, Inc.
Classification: Likely pathogenic for Corticosterone methyl oxidase type II deficiency. Last evaluated: 2024-05-23. Review status: criteria provided, single submitter. Criteria: Natera Variant Classification Schema (03/2026). Collection method: clinical testing. Allele origin: germline.
Comment: The c.145delT variant in CYP11B2 is a frameshift variant predicted to shift the reading frame beginning at codon 49 and leads to a stop codon 2 codons downstream. This variant is expected to result in nonsense mediated decay, truncation, or a dysfunctional protein product. This variant is rare in the general population with a frequency below the threshold expected for the associated phenotype(s). Given the available evidence, this variant is classified as Likely Pathogenic.